The following is an entry in ClinVar:

ClinVar aggregate classification (germline): Uncertain significance (1 of 4 stars; one submission).

Submission:

GeneDx
Classification: Uncertain significance. Last evaluated: 2022-07-13. Review status: criteria provided, single submitter. Criteria: GeneDx Variant Classification Process June 2021. Collection method: clinical testing. Allele origin: germline. Affected: yes.
Comment: Not observed at significant frequency in large population cohorts (gnomAD); In silico analysis supports that this variant does not alter splicing; Has not been previously published as pathogenic or benign to our knowledge; Reported using an alternate transcript of the gene

NM_001323289.2(CDKL5):c.2787G>T (p.Gln929His)

Gene: CDKL5 (cyclin dependent kinase like 5; plus strand). Cytogenetic location: Xp22.13.
Variant type: single nucleotide variant.
Coding change: c.2787G>T on transcript NM_001323289.2 (MANE Select); coding-DNA position 2787, G replaced by T.
Protein change: p.Gln929His; replaces glutamine 929 with histidine.
Molecular consequence: missense variant. On other transcripts: intron variant (2).
Genome position (GRCh38, 1-based): chrX:18,628,661, G>T. VCF-style: chrX-18628661-G-T. GRCh37 (hg19) VCF-style: chrX-18646781-G-T.
Other names: c.2713+74G>T (NM_003159.3, NM_001037343.2); short protein forms Q929H.
Identifiers: ClinVar variation 2136156 (VCV002136156.1), dbSNP rs2518899359, ClinGen allele CA412368978.